The following is an entry in ClinVar:

ClinVar aggregate classification (germline): Uncertain significance (1 of 4 stars; one submission).

gnomAD v4.1: 4 of 1,614,204 alleles (0.00025%); highest among the groups gnomAD compares: Middle Eastern, 0.033%; no homozygotes.

Submission:

Labcorp Genetics (formerly Invitae), Labcorp
Classification: Uncertain significance. Last evaluated: 2025-09-10. Review status: criteria provided, single submitter. Criteria: Invitae Variant Classification Sherloc (09022015). Collection method: clinical testing. Allele origin: germline.
Comment: This sequence change replaces valine, which is neutral and non-polar, with leucine, which is neutral and non-polar, at codon 601 of the COL7A1 protein (p.Val601Leu). This variant is present in population databases (no rsID available, gnomAD 0.0009%). This variant has not been reported in the literature in individuals affected with COL7A1-related conditions. Invitae Evidence Modeling of protein sequence and biophysical properties (such as structural, functional, and spatial information, amino acid conservation, physicochemical variation, residue mobility, and thermodynamic stability) indicates that this missense variant is not expected to disrupt COL7A1 protein function with a negative predictive value of 95%. In summary, the available evidence is currently insufficient to determine the role of this variant in disease. Therefore, it has been classified as a Variant of Uncertain Significance.

NM_000094.4(COL7A1):c.1801G>C (p.Val601Leu)

Gene: COL7A1 (collagen type VII alpha 1 chain; minus strand). Cytogenetic location: 3p21.31.
Variant type: single nucleotide variant.
Coding change: c.1801G>C on transcript NM_000094.4 (MANE Select); coding-DNA position 1801, G replaced by C.
Protein change: p.Val601Leu; replaces valine 601 with leucine.
Molecular consequence: missense variant.
Genome position (GRCh38, 1-based): chr3:48,590,564, C>G on the plus strand (G>C on the coding strand, the complement: COL7A1 is on the minus strand). VCF-style: chr3-48590564-C-G. GRCh37 (hg19) VCF-style: chr3-48627997-C-G.
Other names: short protein forms V601L.
Identifiers: ClinVar variation 4751893 (VCV004751893.1).
Genomic context (GRCh38, chr3:48,590,564, plus strand): 5'-CGGGTCCCCAGGCCACCCTCACTCGCGTTGCATCTGACACCACAACCCGCAGCCCTGGAA[C>G]AGCAAGTGGAGTTTCCGGCTCTAGGAGTTACAGACAGAAGTCAGAAGTCAGAACCAGGAC-3'
Protein context (NP_000085.1, residues 591-611): VRREPETPLA[Val601Leu]PGLRVVVSDA